The following continues an entry in ClinVar:

NM_000295.5(SERPINA1):c.1177C>T (p.Pro393Ser)

Gene: SERPINA1. ClinVar aggregate classification (germline): Pathogenic/Likely pathogenic. Pathogenic (14); Likely pathogenic (3).

Submissions 7 to 18 of 18:

Women's Health and Genetics/Laboratory Corporation of America, LabCorp
Classification: Pathogenic for Alpha-1-antitrypsin deficiency. Last evaluated: 2024-12-23. Review status: criteria provided, single submitter. Criteria: LabCorp Variant Classification Summary - May 2015. Collection method: clinical testing. Allele origin: germline.
Comment: Variant summary: SERPINA1 c.1177C>T (p.Pro393Ser) results in a non-conservative amino acid change in the encoded protein sequence. Five of five in-silico tools predict a damaging effect of the variant on protein function. The variant allele was found at a frequency of 0.00029 in 251474 control chromosomes (gnomAD). This frequency is not significantly higher than estimated for a pathogenic variant in SERPINA1 causing Alpha-1-Antitrypsin Deficiency (0.00029 vs 0.005), allowing no conclusion about variant significance. c.1177C>T has been reported in the literature in individuals affected with Alpha-1-Antitrypsin Deficiency (e.g. Jardi_2000, Print_2008, Silva_2016, Scioscia_2024). These data indicate that the variant is likely to be associated with disease. At least one publication reports experimental evidence evaluating an impact on protein function, finding that the variant results in a complete intracellular transport block in cell cultures in vitro (Poller_1999). The following publications have been ascertained in the context of this evaluation (PMID: 18024524, 27296815, 10878477, 10234508, 38876920). ClinVar contains an entry for this variant (Variation ID: 289135). Based on the evidence outlined above, the variant was classified as pathogenic.

Blueprint Genetics
Classification: Pathogenic for SERPINA1-related disorders. Last evaluated: 2024-11-20. Review status: criteria provided, single submitter. Criteria: ACMG Guidelines, 2015. Collection method: clinical testing. Allele origin: de novo. Affected: yes. Observed: 5 variant alleles.

CeGaT Center for Human Genetics Tuebingen
Classification: Pathogenic. Last evaluated: 2024-05-01. Review status: criteria provided, single submitter. Criteria: CeGaT Center For Human Genetics Tuebingen Variant Classification Criteria Version 2. Collection method: clinical testing. Allele origin: germline. Affected: yes. Observed: 3 variant alleles.
Comment: SERPINA1: PM3:Strong, PM1, PM2, PM5, PP4:Moderate, PS3:Supporting

Mayo Clinic Laboratories, Mayo Clinic
Classification: Pathogenic. Last evaluated: 2024-02-13. Review status: criteria provided, single submitter. Criteria: ACMG Guidelines, 2015. Collection method: clinical testing. Allele origin: germline. Observed: 1 variant allele.
Comment: PP3, PP4, PM2_moderate, PM5, PS3

Department of Pathology and Laboratory Medicine, Sinai Health System
Classification: Pathogenic for Alpha-1-antitrypsin deficiency. Last evaluated: 2022-08-04. Review status: criteria provided, single submitter. Criteria: ACMG Guidelines, 2015. Collection method: research. Allele origin: germline.

Mendelics
Classification: Pathogenic for Alpha-1-antitrypsin deficiency. Last evaluated: 2022-05-04. Review status: criteria provided, single submitter. Criteria: Mendelics Assertion Criteria 2019. Collection method: clinical testing. Allele origin: germline.

Revvity Omics, Revvity
Classification: Pathogenic for Alpha-1-antitrypsin deficiency. Last evaluated: 2022-02-14. Review status: criteria provided, single submitter. Criteria: ACMG Guidelines, 2015. Collection method: clinical testing. Allele origin: germline.

Illumina Laboratory Services, Illumina
Classification: Likely pathogenic for Alpha-1-antitrypsin deficiency. Last evaluated: 2018-08-17. Review status: criteria provided, single submitter. Criteria: ICSL Variant Classification Criteria 09 May 2019. Collection method: clinical testing. Allele origin: germline.
Comment: The SERPINA1 c.1177C>T (p.Pro393Ser) variant, also referred to as Pi-M(Wurzburg), has been identified in a compound heterozygous state in three patients with alpha-1 antitrypsin deficiency (AATD) (Seixas et al. 2001; Medicina et al. 2009; Zorzetto et al. 2008). Control data are unavailable for this variant, which is reported at a frequency of 0.000513 in the European (non-Finnish) population of the Genome Aggregation Database. Poller et al. (1999) performed in vitro and in vivo functional studies and demonstrated that the p.Pro393Ser variant had defective intracellular transport and secretion into the bloodstream compared to the wild type AAT protein. The Pro393 residue is predicted to form part of a critical domain of the AAT protein. Based on the evidence, the p.Pro393Ser variant is classified as likely pathogenic for alpha-1 antitrypsin deficiency. This variant was observed by ICSL as part of a predisposition screen in an ostensibly healthy population.

Eurofins Ntd Llc (ga)
Classification: Pathogenic. Last evaluated: 2017-08-09. Review status: criteria provided, single submitter. Criteria: EGL Classification Definitions 2015. Collection method: clinical testing. Allele origin: germline. Observed: 4 variant alleles, 4 heterozygotes.

Laboratory for Molecular Medicine, Mass General Brigham Personalized Medicine
Classification: Likely pathogenic for Alpha-1-antitrypsin deficiency. Last evaluated: 2017-05-13. Review status: criteria provided, single submitter. Criteria: LMM Criteria. Collection method: clinical testing. Allele origin: germline. Observed: 1 variant allele.
Comment: The p.Pro393Ser variant in SERPINA1 (MWurzburg allele) has been reported in at l east 5 individuals with SERPINA1-related phenotypes, including alpha-1-antitryps in deficiency (AATD), asthma, elevated transaminases, and intrahepatic inclusion s (Poller 1999, Sexias 2001, Medicina 2009, Silva 2016, and Denden 2009). Three of these individuals were heterozygous, while 2 individuals with liver phenotype s were compound heterozygous. The variant segregated in at least 1 family member with low levels of alpha-1-antritrypsin and 2 members of 1 family with asthma ( Poller 1999, Denden 2009). In vitro and in vivo functional studies provide some evidence that the p.Pro393Ser variant may impact protein function; however, thes e types of assays may not accurately represent biological function (Poller 1999, Fra 2012). This variant has also been identified in 29/66728 European chromosom es by the Exome Aggregation Consortium (ExAC; db SNP rs61761869); however, this frequency is low enough to be consistent with a r ecessive carrier frequency. Furthermore, a different variant at the same positio n (p.Pro393Leu) has been classified as pathogenic by our laboratory, supporting that a change at this position may not be tolerated. In summary, although additi onal studies are required to fully establish its clinical significance, the p.Pr o393Ser variant is likely pathogenic.

Kariminejad - Najmabadi Pathology & Genetics Center
Classification: Pathogenic for Alpha-1-antitrypsin deficiency. Review status: criteria provided, single submitter. Criteria: ACMG Guidelines, 2015. Collection method: clinical testing. Allele origin: germline. Affected: no.

PreventionGenetics, part of Exact Sciences
Classification: Pathogenic for SERPINA1-related condition. Last evaluated: 2024-03-08. Review status: no assertion criteria provided. Collection method: clinical testing. Allele origin: germline. Not counted in ClinVar's aggregate classification.
Comment: The SERPINA1 c.1177C>T variant is predicted to result in the amino acid substitution p.Pro393Ser. This variant has been reported to be pathogenic for autosomal recessive alpha1-antitrypsin deficiency (Giacopuzzi et al. 2018. PubMed ID: 29882371; Ortega et al. 2019. PubMed ID: 31661293). It is known as the M (Würzburg) allele in the literature. This variant is reported in 0.053% of alleles in individuals of European (Non-Finnish) descent in gnomAD. Taken together, this variant is reported as pathogenic.

Literature cited by the submitters: PubMed 18024524 (cited by 4 submitters); PubMed 27296815 (cited by 10 submitters); PubMed 10234508 (cited by 10 submitters); PubMed 2784123 (cited by Labcorp Genetics (formerly Invitae), Labcorp and Variantyx, Inc.); PubMed 19437508 (cited by 6 submitters); PubMed 18515255 (cited by 5 submitters); PubMed 10878477 (cited by 3 submitters); PubMed 19654085 (cited by 3 submitters); PubMed 21474916 (cited by 3 submitters); PubMed 22723858 (cited by 4 submitters); PubMed 23222880 (cited by Myriad Genetics, Inc.); PubMed 26321041 (cited by Victorian Clinical Genetics Services, Murdoch Childrens Research Institute); PubMed 31307431 (cited by Victorian Clinical Genetics Services, Murdoch Childrens Research Institute); PubMed 38876920 (cited by Women's Health and Genetics/Laboratory Corporation of America, LabCorp); PubMed 11474657 (cited by 3 submitters); PubMed 29882371 (cited by Mayo Clinic Laboratories, Mayo Clinic); PubMed 31661293 (cited by Mayo Clinic Laboratories, Mayo Clinic); PubMed 31980526 (cited by Mayo Clinic Laboratories, Mayo Clinic); PubMed 37277845 (cited by Mayo Clinic Laboratories, Mayo Clinic); PubMed 37622442 (cited by Mayo Clinic Laboratories, Mayo Clinic); PubMed 21228398 (cited by Laboratory for Molecular Medicine, Mass General Brigham Personalized Medicine); PubMed 11214903 (cited by Laboratory for Molecular Medicine, Mass General Brigham Personalized Medicine).